The following is an entry in ClinVar:

NM_004281.4(BAG3):c.224G>T (p.Arg75Met)

Gene: BAG3 (BAG cochaperone 3; plus strand). Cytogenetic location: 10q26.11.
Variant type: single nucleotide variant.
Coding change: c.224G>T on transcript NM_004281.4 (MANE Select); coding-DNA position 224, G replaced by T.
Protein change: p.Arg75Met; replaces arginine 75 with methionine.
Molecular consequence: missense variant.
Genome position (GRCh38, 1-based): chr10:119,669,894, G>T. VCF-style: chr10-119669894-G-T. GRCh37 (hg19) VCF-style: chr10-121429406-G-T.
Other names: short protein forms R75M.
Identifiers: ClinVar variation 3748389 (VCV003748389.2).

ClinVar aggregate classification (germline): Uncertain significance (1 of 4 stars; one submission).

Conditions:
Myofibrillar myopathy 6. Identifiers: Orphanet 199340, MedGen C2751831, MONDO:0013061, OMIM 612954.
Dilated cardiomyopathy 1HH (CMD1HH). Identifiers: Orphanet 154, MedGen C3151293, MONDO:0013479, OMIM 613881.

gnomAD v4.1: 2 of 1,614,190 alleles (0.00012%); highest among the groups gnomAD compares: Non-Finnish European, 0.00017%; no homozygotes.

Submission:

Labcorp Genetics (formerly Invitae), Labcorp
Classification: Uncertain significance for Dilated cardiomyopathy 1HH; Myofibrillar myopathy 6. Last evaluated: 2025-02-12. Review status: criteria provided, single submitter. Criteria: Invitae Variant Classification Sherloc (09022015). Collection method: clinical testing. Allele origin: germline.
Comment: This sequence change replaces arginine, which is basic and polar, with methionine, which is neutral and non-polar, at codon 75 of the BAG3 protein (p.Arg75Met). This variant is present in population databases (rs760856949, gnomAD 0.0009%). This variant has not been reported in the literature in individuals affected with BAG3-related conditions. Invitae Evidence Modeling of protein sequence and biophysical properties (such as structural, functional, and spatial information, amino acid conservation, physicochemical variation, residue mobility, and thermodynamic stability) indicates that this missense variant is not expected to disrupt BAG3 protein function with a negative predictive value of 80%. In summary, the available evidence is currently insufficient to determine the role of this variant in disease. Therefore, it has been classified as a Variant of Uncertain Significance.